The following is an entry in ClinVar:

ClinVar aggregate classification (germline): Uncertain significance (1 of 4 stars; one submission).

Allele frequency attached by ClinVar (database versions not stated): 1000 Genomes Project 0.00020; ESP Exome Variant Server 0.00008; 1000 Genomes Project 30x 0.00016.
gnomAD v4.1: 79 of 1,607,918 alleles (0.0049%); highest among the groups gnomAD compares: East Asian, 0.069%; no homozygotes.

Submission:

Labcorp Genetics (formerly Invitae), Labcorp
Classification: Uncertain significance. Last evaluated: 2022-07-15. Review status: criteria provided, single submitter. Criteria: Invitae Variant Classification Sherloc (09022015). Collection method: clinical testing. Allele origin: germline.
Comment: Algorithms developed to predict the effect of sequence changes on RNA splicing suggest that this variant may disrupt the consensus splice site. This variant has not been reported in the literature in individuals affected with QRSL1-related conditions. This variant is present in population databases (rs143085016, gnomAD 0.06%). This sequence change affects codon 337 of the QRSL1 mRNA. It is a 'silent' change, meaning that it does not change the encoded amino acid sequence of the QRSL1 protein. In summary, the available evidence is currently insufficient to determine the role of this variant in disease. Therefore, it has been classified as a Variant of Uncertain Significance.

NM_018292.5(QRSL1):c.1011G>A (p.Ser337=)

Gene: QRSL1 (glutaminyl-tRNA amidotransferase subunit QRSL1; plus strand). Cytogenetic location: 6q21.
Variant type: single nucleotide variant.
Coding change: c.1011G>A on transcript NM_018292.5 (MANE Select); coding-DNA position 1011, G replaced by A.
Protein change: p.Ser337=; no amino-acid change (serine 337 retained).
Molecular consequence: synonymous variant.
Genome position (GRCh38, 1-based): chr6:106,654,891, G>A. VCF-style: chr6-106654891-G-A. GRCh37 (hg19) VCF-style: chr6-107102766-G-A.
Identifiers: ClinVar variation 2076015 (VCV002076015.4), dbSNP rs143085016, ClinGen allele CA3944913.